The following is an entry in ClinVar:

NM_138393.4(REEP6):c.395C>T (p.Ala132Val)

Gene: REEP6 (receptor accessory protein 6; plus strand). Cytogenetic location: 19p13.3.
Variant type: single nucleotide variant.
Coding change: c.395C>T on transcript NM_138393.4 (MANE Select); coding-DNA position 395, C replaced by T.
Protein change: p.Ala132Val; replaces alanine 132 with valine.
Molecular consequence: missense variant.
Genome position (GRCh38, 1-based): chr19:1,496,331, C>T. VCF-style: chr19-1496331-C-T. GRCh37 (hg19) VCF-style: chr19-1496330-C-T.
Other names: c.395C>T, p.Ala132Val (NM_001329556.3); short protein forms A132V.
Identifiers: ClinVar variation 2097150 (VCV002097150.4), dbSNP rs2512807024, ClinGen allele CA403056969.
Genomic context (GRCh38, chr19:1,496,331, plus strand): 5'-GCCCCGCCCTGCAGTGCGCCTTCCTGTTGTTCTGCATGGCTCCCAGGCCCTGGAACGGGG[C>T]TCTCATGCTGTATCAGCGCGTCGTGCGTCCGCTGTTCCTAAGGCACCACGGGGCCGTAGA-3'
Protein context (NP_612402.1, residues 122-142): FCMAPRPWNG[Ala132Val]LMLYQRVVRP

ClinVar aggregate classification (germline): Uncertain significance (1 of 4 stars; one submission).

Allele frequency attached by ClinVar (database versions not stated): gnomAD exomes below 0.00001.

Submission:

Labcorp Genetics (formerly Invitae), Labcorp
Classification: Uncertain significance. Last evaluated: 2022-07-12. Review status: criteria provided, single submitter. Criteria: Invitae Variant Classification Sherloc (09022015). Collection method: clinical testing. Allele origin: germline.
Comment: This sequence change replaces alanine, which is neutral and non-polar, with valine, which is neutral and non-polar, at codon 132 of the REEP6 protein (p.Ala132Val). In summary, the available evidence is currently insufficient to determine the role of this variant in disease. Therefore, it has been classified as a Variant of Uncertain Significance. Experimental studies and prediction algorithms are not available or were not evaluated, and the functional significance of this variant is currently unknown. This variant has not been reported in the literature in individuals affected with REEP6-related conditions. This variant is not present in population databases (gnomAD no frequency).